The following is an entry in ClinVar:

NM_001370259.2(MEN1):c.1139C>A (p.Ala380Asp)

Gene: MEN1 (menin 1; minus strand). Cytogenetic location: 11q13.1.
Variant type: single nucleotide variant.
Coding change: c.1139C>A on transcript NM_001370259.2 (MANE Select); coding-DNA position 1139, C replaced by A.
Protein change: p.Ala380Asp; replaces alanine 380 with aspartic acid.
Molecular consequence: missense variant. On other transcripts: non-coding transcript variant (4).
Genome position (GRCh38, 1-based): chr11:64,805,681, G>T on the plus strand (C>A on the coding strand, the complement: MEN1 is on the minus strand). VCF-style: chr11-64805681-G-T. GRCh37 (hg19) VCF-style: chr11-64573153-G-T.
Other names: c.1154C>A, p.Ala385Asp (NM_000244.4, NM_001407145.1, NM_130800.3 and 4 more transcripts); c.1265C>A, p.Ala422Asp (NM_001370251.2, NM_001407142.1, NM_001407143.1 and 1 more transcripts); c.1139C>A, p.Ala380Asp (NM_001370260.2, NM_001370261.2, NM_001407146.1 and 3 more transcripts); c.1034C>A, p.Ala345Asp (NM_001370262.2, NM_001370263.2, NM_001407148.1 and 1 more transcripts); c.1280C>A, p.Ala427Asp (NM_001407150.1); c.1160C>A, p.Ala387Asp (NM_001407151.1); short protein forms A380D, A387D, A422D, A345D, A427D, A385D.
Identifiers: ClinVar variation 3394953 (VCV003394953.1).

ClinVar aggregate classification (germline): Uncertain significance (1 of 4 stars; one submission).

Conditions:
Hereditary cancer-predisposing syndrome. Also called: Hereditary Cancer Syndrome; Tumor predisposition; Hereditary neoplastic syndrome; Neoplastic Syndromes, Hereditary. Identifiers: Orphanet 140162, MedGen C0027672, MeSH D009386, MONDO:0015356.

Submission:

Ambry Genetics
Classification: Uncertain significance for Hereditary cancer-predisposing syndrome. Last evaluated: 2024-08-01. Review status: criteria provided, single submitter. Criteria: Ambry Variant Classification Scheme 2023. Collection method: clinical testing. Allele origin: germline.
Comment: The p.A380D variant (also known as c.1139C>A), located in coding exon 7 of the MEN1 gene, results from a C to A substitution at nucleotide position 1139. The alanine at codon 380 is replaced by aspartic acid, an amino acid with dissimilar properties. This amino acid position is conserved. In addition, the in silico prediction for this alteration is inconclusive. Based on the available evidence, the clinical significance of this variant remains unclear.